The following is an entry in ClinVar:

NM_002519.3(NPAT):c.3603A>G (p.Ile1201Met)

Gene: NPAT (nuclear protein, coactivator of histone transcription; minus strand). Cytogenetic location: 11q22.3.
Variant type: single nucleotide variant.
Coding change: c.3603A>G on transcript NM_002519.3 (MANE Select); coding-DNA position 3603, A replaced by G.
Protein change: p.Ile1201Met; replaces isoleucine 1201 with methionine.
Molecular consequence: missense variant.
Genome position (GRCh38, 1-based): chr11:108,161,483, T>C on the plus strand (A>G on the coding strand, the complement: NPAT is on the minus strand). VCF-style: chr11-108161483-T-C. GRCh37 (hg19) VCF-style: chr11-108032210-T-C.
Other names: c.3624A>G, p.Ile1208Met (NM_001321307.1); short protein forms I1201M, I1208M.
Identifiers: ClinVar variation 3222600 (VCV003222600.1), dbSNP rs2077848825, ClinGen allele CA382510443.

ClinVar aggregate classification (germline): Uncertain significance (1 of 4 stars; one submission).

Allele frequency attached by ClinVar (database versions not stated): gnomAD exomes below 0.00001; TOPMed 0.00001.
gnomAD v4.1: 7 of 1,614,244 alleles (0.00043%); highest among the groups gnomAD compares: East Asian, 0.0045%; no homozygotes.

Submission:

Ambry Genetics
Classification: Uncertain significance. Last evaluated: 2024-03-13. Review status: criteria provided, single submitter. Criteria: Ambry Variant Classification Scheme 2023. Collection method: clinical testing. Allele origin: germline.
Comment: The p.I1201M variant (also known as c.3603A>G), located in coding exon 17 of the NPAT gene, results from an A to G substitution at nucleotide position 3603. The isoleucine at codon 1201 is replaced by methionine, an amino acid with highly similar properties. This amino acid position is conserved. In addition, this alteration is predicted to be tolerated by in silico analysis. Based on the available evidence, the clinical significance of this alteration remains unclear.